The following is an entry in ClinVar:

ClinVar aggregate classification (germline): Uncertain significance (1 of 4 stars; one submission).

Conditions:
Usmani-Riazuddin syndrome, autosomal dominant (USRISD). Identifiers: MedGen C5561952, MONDO:0859174, OMIM 619467.

Allele frequency attached by ClinVar (database versions not stated): gnomAD 0.00001; gnomAD exomes 0.00001; TOPMed 0.00001.
gnomAD v4.1: 8 of 1,613,862 alleles (0.0005%); highest among the groups gnomAD compares: Non-Finnish European, 0.00059%; no homozygotes.

Submission:

Victorian Clinical Genetics Services, Murdoch Childrens Research Institute
Classification: Uncertain significance for Usmani-Riazuddin syndrome, autosomal dominant. Last evaluated: 2022-09-02. Review status: criteria provided, single submitter. Criteria: ACMG Guidelines, 2015. Collection method: clinical testing. Allele origin: germline. Inheritance: Autosomal dominant inheritance. Affected: yes.
Comment: Based on the classification scheme VCGS_Germline_v1.3.4, this variant is classified as VUS-3B. Following criteria are met: 0102 - Loss of function is a known mechanism of disease in this gene and is associated with Usmani-Riazuddin syndrome, autosomal dominant MIM#619467. Missense variants may exert a toxic dominant negative mechanism (PMID: 34102099). (I) 0107 - This gene is associated with autosomal dominant disease. Biallelic variants have also been reported to cause disease, but this association is not yet well-established (PanelApp Aus). (I) 0200 - Variant is predicted to result in a missense amino acid change from arginine to histidine. (I) 0251 - This variant is heterozygous. (I) 0302 - Variant is present in gnomAD (v3) <0.001 for a dominant condition (1 heterozygote, 0 homozygotes). (SP) 0309 - An alternative amino acid change at the same position has been observed in gnomAD (v2) (4 heterozygotes, 0 homozygotes). (I) 0502 - Missense variant with conflicting in silico predictions and uninformative conservation. (I) 0600 - Variant is located in the annotated adaptin N terminal region domain (DECIPHER). (I) 0705 - No comparable missense variants have previous evidence for pathogenicity. (I) 0807 - This variant has no previous evidence of pathogenicity. (I) 0905 - No published segregation evidence has been identified for this variant. (I) 1007 - No published functional evidence has been identified for this variant. (I) 1208 - Inheritance information for this variant is not currently available in this individual. (I) Legend: (SP) - Supporting pathogenic, (I) - Information, (SB) - Supporting benign

Literature cited by the submitters: PubMed 34102099.

NM_001128.6(AP1G1):c.1301G>A (p.Arg434His)

Gene: AP1G1 (adaptor related protein complex 1 subunit gamma 1; minus strand). Cytogenetic location: 16q22.2.
Variant type: single nucleotide variant.
Coding change: c.1301G>A on transcript NM_001128.6 (MANE Select); coding-DNA position 1301, G replaced by A.
Protein change: p.Arg434His; replaces arginine 434 with histidine.
Molecular consequence: missense variant.
Genome position (GRCh38, 1-based): chr16:71,750,316, C>T on the plus strand (G>A on the coding strand, the complement: AP1G1 is on the minus strand). VCF-style: chr16-71750316-C-T. GRCh37 (hg19) VCF-style: chr16-71784219-C-T.
Other names: c.1310G>A, p.Arg437His (NM_001030007.2); short protein forms R434H, R437H.
Identifiers: ClinVar variation 1805937 (VCV001805937.1), dbSNP rs1022032856, ClinGen allele CA283594396.